The following is an entry in ClinVar:

ClinVar aggregate classification (germline): Uncertain significance (1 of 4 stars; one submission).

gnomAD v4.1: 1 of 1,614,084 alleles (0.000062%); highest among the groups gnomAD compares: Non-Finnish European, 0.000085%; no homozygotes.

Submission:

GeneDx
Classification: Uncertain significance. Last evaluated: 2025-05-12. Review status: criteria provided, single submitter. Criteria: GeneDx Variant Classification Process June 2021. Collection method: clinical testing. Allele origin: germline. Affected: yes.
Comment: Not observed at significant frequency in large population cohorts (gnomAD); In silico analysis supports that this missense variant has a deleterious effect on protein structure/function; Has not been previously published as pathogenic or benign to our knowledge

NM_015559.3(SETBP1):c.2486T>G (p.Leu829Arg)

Gene: SETBP1 (SET binding protein 1; plus strand). Cytogenetic location: 18q12.3.
Variant type: single nucleotide variant.
Coding change: c.2486T>G on transcript NM_015559.3 (MANE Select); coding-DNA position 2486, T replaced by G.
Protein change: p.Leu829Arg; replaces leucine 829 with arginine.
Molecular consequence: missense variant.
Genome position (GRCh38, 1-based): chr18:44,951,826, T>G. VCF-style: chr18-44951826-T-G. GRCh37 (hg19) VCF-style: chr18-42531791-T-G.
Other names: c.2486T>G, p.Leu829Arg (NM_001379141.1, NM_001379142.1, NM_001410862.1); short protein forms L829R.
Identifiers: ClinVar variation 4529538 (VCV004529538.1).